The following is an entry in ClinVar:

ClinVar aggregate classification (germline): Likely benign. Review status: criteria provided, multiple submitters, no conflicts (2 of 4 stars). 6 submissions from 5 submitters: Likely benign (6). Last evaluated 2025-12-31.

Conditions:
USH2A-related disorder. Also called: USH2A-related disorders; USH2A-related condition. Identifiers: MedGen CN239332.
Usher syndrome type 2A. Also called: RETINAL DISEASE IN USHER SYNDROME TYPE IIA, MODIFIER OF; USHER SYNDROME, TYPE IIA. Identifiers: Orphanet 231178, Orphanet 886, MedGen C1848634, MONDO:0010169, OMIM 276901.
Retinitis pigmentosa 39 (RP39). Identifiers: Orphanet 791, MedGen C3151138, MONDO:0013436, OMIM 613809.

Allele frequency attached by ClinVar (database versions not stated): gnomAD 0.00001; gnomAD exomes 0.00002 and 0.00006; TOPMed 0.00003; ExAC 0.00004; ESP Exome Variant Server 0.00015.
gnomAD v4.1: 86 of 1,614,124 alleles (0.0053%); highest among the groups gnomAD compares: Middle Eastern, 0.049%; no homozygotes.

Submissions (6):

Labcorp Genetics (formerly Invitae), Labcorp
Classification: Likely benign. Last evaluated: 2025-12-31. Review status: criteria provided, single submitter. Criteria: Invitae Variant Classification Sherloc (09022015). Collection method: clinical testing. Allele origin: germline.

PreventionGenetics, part of Exact Sciences
Classification: Likely benign for USH2A-related condition. Last evaluated: 2025-09-04. Review status: criteria provided, single submitter. Criteria: ACMG Guidelines, 2015. Collection method: clinical testing. Allele origin: germline.
Comment: This variant is classified as likely benign based on ACMG/AMP sequence variant interpretation guidelines (Richards et al. 2015 PMID: 25741868, with internal and published modifications).

Genome-Nilou Lab
Classification: Likely benign for Retinitis pigmentosa 39. Last evaluated: 2023-11-04. Review status: criteria provided, single submitter. Criteria: ACMG Guidelines, 2015. Collection method: clinical testing. Allele origin: germline. Affected: no.

Genome-Nilou Lab
Classification: Likely benign for Usher syndrome type 2A. Last evaluated: 2023-11-04. Review status: criteria provided, single submitter. Criteria: ACMG Guidelines, 2015. Collection method: clinical testing. Allele origin: germline. Affected: no.

Blueprint Genetics
Classification: Likely benign. Last evaluated: 2022-11-03. Review status: criteria provided, single submitter. Criteria: ACMG Guidelines, 2015. Collection method: clinical testing. Allele origin: germline.

Laboratory for Molecular Medicine, Mass General Brigham Personalized Medicine
Classification: Likely benign. Last evaluated: 2015-08-26. Review status: criteria provided, single submitter. Criteria: LMM Criteria. Collection method: clinical testing. Allele origin: germline. Observed: 2 variant alleles.
Comment: p.Ser5034Ser in exon 70 of USH2A: This variant is not expected to have clinical significance because it does not alter an amino acid residue, is not located wit hin the splice consensus sequence, and has been identified in 1/16512 South Asia n and 4/66736 European chromosomes by the Exome Aggregation Consortium (ExAC; dbSNP rs147916810).

NM_206933.4(USH2A):c.15102C>T (p.Ser5034=)

Gene: USH2A (usherin; minus strand). Cytogenetic location: 1q41.
Variant type: single nucleotide variant.
Coding change: c.15102C>T on transcript NM_206933.4 (MANE Select); coding-DNA position 15102, C replaced by T.
Protein change: p.Ser5034=; no amino-acid change (serine 5034 retained).
Molecular consequence: synonymous variant.
Genome position (GRCh38, 1-based): chr1:215,634,654, G>A on the plus strand (C>T on the coding strand, the complement: USH2A is on the minus strand). VCF-style: chr1-215634654-G-A. GRCh37 (hg19) VCF-style: chr1-215807996-G-A.
Identifiers: ClinVar variation 48456 (VCV000048456.18), dbSNP rs147916810, ClinGen allele CA143386.
Genomic context (GRCh38, chr1:215,634,654, plus strand): 5'-CAAGATCAAGCCCAGCATCGCCATTAACACTATGAACCACAGCTCGCTGTAGAACTCTGT[G>A]CTTTTGCTCCGCGATCCCTTCTTTTTCCCAGGAGTTGTTAGGACCAAGCCTGCAAAACCC-3'
Protein context (NP_996816.3, residues 5024-5044): PGKKKGSRSK[Ser5034=]TEFYSELWFI